The following is an entry in ClinVar:

NM_052813.5(CARD9):c.865C>T (p.Gln289Ter)

Gene: CARD9 (caspase recruitment domain family member 9; minus strand). Cytogenetic location: 9q34.3.
Variant type: single nucleotide variant.
Coding change: c.865C>T on transcript NM_052813.5 (MANE Select); coding-DNA position 865, C replaced by T.
Protein change: p.Gln289Ter; replaces glutamine 289 with a stop codon.
Molecular consequence: nonsense.
Genome position (GRCh38, 1-based): chr9:136,370,380, G>A on the plus strand (C>T on the coding strand, the complement: CARD9 is on the minus strand). VCF-style: chr9-136370380-G-A. GRCh37 (hg19) VCF-style: chr9-139264832-G-A.
Other names: c.865C>T, p.Gln289Ter (NM_052814.4); short protein forms Q289*.
Identifiers: ClinVar variation 88852 (VCV000088852.10), dbSNP rs398122363, ClinGen allele CA145372.

ClinVar aggregate classification (germline): Pathogenic. Review status: criteria provided, multiple submitters, no conflicts (2 of 4 stars). 4 submissions from 4 submitters: Pathogenic (3). 1 of the submissions does not count toward it. Last evaluated 2025-06-12.

Conditions:
Predisposition to invasive fungal disease due to CARD9 deficiency (IMD103). Also called: IMMUNODEFICIENCY 103, SUSCEPTIBILITY TO FUNGAL INFECTIONS; Candidiasis, familial, 2, autosomal recessive; CARD9 IMMUNODEFICIENCY. Identifiers: Orphanet 457088, MedGen C1859353, MONDO:0008905, OMIM 212050.

Allele frequency attached by ClinVar (database versions not stated): gnomAD exomes below 0.00001 and 0.00001; gnomAD 0.00001; TOPMed 0.00001; ExAC 0.00002.
gnomAD v4.1: 8 of 1,610,288 alleles (0.0005%); highest among the groups gnomAD compares: Admixed American, 0.0067%; no homozygotes.

Submissions (4):

Labcorp Genetics (formerly Invitae), Labcorp
Classification: Pathogenic for Predisposition to invasive fungal disease due to CARD9 deficiency. Last evaluated: 2025-06-12. Review status: criteria provided, single submitter. Criteria: Invitae Variant Classification Sherloc (09022015). Collection method: clinical testing. Allele origin: germline.
Comment: This sequence change creates a premature translational stop signal (p.Gln289*) in the CARD9 gene. It is expected to result in an absent or disrupted protein product. Loss-of-function variants in CARD9 are known to be pathogenic (PMID: 19864672, 24131138, 24231284). This variant is present in population databases (rs398122363, gnomAD 0.006%). This premature translational stop signal has been observed in individual(s) with clinical features of CARD9-related conditions (PMID: 24131138, 25702837, 32888943). ClinVar contains an entry for this variant (Variation ID: 88852). For these reasons, this variant has been classified as Pathogenic.

3billion
Classification: Pathogenic for Predisposition to invasive fungal disease due to CARD9 deficiency. Last evaluated: 2022-05-22. Review status: criteria provided, single submitter. Criteria: ACMG Guidelines, 2015. Collection method: clinical testing. Allele origin: germline. Affected: yes. Observed: 1 homozygote.
Comment: The variant is observed at an extremely low frequency in the gnomAD v2.1.1 dataset (total allele frequency: <0.001%). Stop-gained (nonsense): predicted to result in a loss or disruption of normal protein function through nonsense-mediated decay (NMD) or protein truncation. Multiple pathogenic variants are reported downstream of the variant. The variant has been observed in multiple (>3) similarly affected unrelated individuals (PMID:24131138) and reported to co-segregate with the disease in at least one similarly affected individuals in the same family or similarly affected unrelated family (PMID:24131138). Therefore, this variant is classified as pathogenic according to the recommendation of ACMG/AMP guideline.

Fulgent Genetics
Classification: Pathogenic for Predisposition to invasive fungal disease due to CARD9 deficiency. Last evaluated: 2021-10-17. Review status: criteria provided, single submitter. Criteria: ACMG Guidelines, 2015. Collection method: clinical testing. Allele origin: unknown.

OMIM
Classification: risk factor for IMMUNODEFICIENCY 103, SUSCEPTIBILITY TO FUNGAL INFECTIONS. Last evaluated: 2013-10-31. Review status: no assertion criteria provided. Collection method: literature only. Allele origin: germline. Not counted in ClinVar's aggregate classification.

Literature cited by the submitters: PubMed 19864672 (cited by Labcorp Genetics (formerly Invitae), Labcorp); PubMed 24131138 (cited by 3 submitters); PubMed 24231284 (cited by Labcorp Genetics (formerly Invitae), Labcorp); PubMed 25702837 (cited by Labcorp Genetics (formerly Invitae), Labcorp); PubMed 32888943 (cited by Labcorp Genetics (formerly Invitae), Labcorp); PubMed 9835960 (cited by OMIM); PubMed 35628702 (cited by OMIM).